The following is an entry in ClinVar:

ClinVar aggregate classification (germline): Uncertain significance (1 of 4 stars; one submission).

Conditions:
Autosomal recessive limb-girdle muscular dystrophy type R18 (LGMDR18). Also called: Limb-girdle muscular dystrophy, type 2S; MUSCULAR DYSTROPHY, LIMB-GIRDLE, AUTOSOMAL RECESSIVE 18; Autosomal recessive limb-girdle muscular dystrophy type 2S. Identifiers: Orphanet 369840, MedGen C4517996, MONDO:0014144, OMIM 615356.

Allele frequency attached by ClinVar (database versions not stated): gnomAD exomes below 0.00001.
gnomAD v4.1: 1 of 1,613,660 alleles (0.000062%); highest among the groups gnomAD compares: Non-Finnish European, 0.000085%; no homozygotes.

Submission:

Labcorp Genetics (formerly Invitae), Labcorp
Classification: Uncertain significance for Autosomal recessive limb-girdle muscular dystrophy type R18. Last evaluated: 2020-07-04. Review status: criteria provided, single submitter. Criteria: Invitae Variant Classification Sherloc (09022015). Collection method: clinical testing. Allele origin: germline.
Comment: This variant has not been reported in the literature in individuals with TRAPPC11-related conditions. In summary, the available evidence is currently insufficient to determine the role of this variant in disease. Therefore, it has been classified as a Variant of Uncertain Significance. Algorithms developed to predict the effect of sequence changes on RNA splicing suggest that this variant may disrupt the consensus splice site, but this prediction has not been confirmed by published transcriptional studies. Algorithms developed to predict the effect of missense changes on protein structure and function are either unavailable or do not agree on the potential impact of this missense change (SIFT: "Tolerated"; PolyPhen-2: "Possibly Damaging"; Align-GVGD: "Class C0"). This variant is not present in population databases (ExAC no frequency). This sequence change replaces lysine with asparagine at codon 474 of the TRAPPC11 protein (p.Lys474Asn). The lysine residue is highly conserved and there is a moderate physicochemical difference between lysine and asparagine.

NM_021942.6(TRAPPC11):c.1422G>T (p.Lys474Asn)

Gene: TRAPPC11 (trafficking protein particle complex subunit 11; plus strand). Cytogenetic location: 4q35.1.
Variant type: single nucleotide variant.
Coding change: c.1422G>T on transcript NM_021942.6 (MANE Select); coding-DNA position 1422, G replaced by T.
Protein change: p.Lys474Asn; replaces lysine 474 with asparagine.
Molecular consequence: missense variant.
Genome position (GRCh38, 1-based): chr4:183,684,696, G>T. VCF-style: chr4-183684696-G-T. GRCh37 (hg19) VCF-style: chr4-184605849-G-T.
Other names: c.1422G>T, p.Lys474Asn (NM_199053.3); short protein forms K474N.
Identifiers: ClinVar variation 1051777 (VCV001051777.9), dbSNP rs2111364937, ClinGen allele CA358867123.